The following is an entry in ClinVar:

ClinVar aggregate classification (germline): Uncertain significance. Review status: criteria provided, multiple submitters, no conflicts (2 of 4 stars). 5 submissions from 5 submitters: Uncertain significance (5). Last evaluated 2026-07-25.

Conditions:
WFS1-related disorder. Identifiers: MedGen CN379391, MONDO:0700293.

Allele frequency attached by ClinVar (database versions not stated): gnomAD exomes 0.00001 and 0.00002; ExAC 0.00002; gnomAD 0.00006 and 0.00009; TOPMed 0.00011; ESP Exome Variant Server 0.00015.
gnomAD v4.1: 23 of 1,613,436 alleles (0.0014%); highest among the groups gnomAD compares: African/African-American, 0.029%; 1 homozygote.

Submissions (5):

PreventionGenetics, part of Exact Sciences
Classification: Uncertain significance for WFS1-related condition. Last evaluated: 2026-07-25. Review status: criteria provided, single submitter. Criteria: ACMG Guidelines, 2015. Collection method: clinical testing. Allele origin: germline.
Comment: The WFS1 c.572A>G variant is predicted to result in the amino acid substitution p.Lys191Arg. To our knowledge, this variant has not been reported in the literature. This variant is reported in 0.024% of alleles in individuals of African descent in gnomAD. At this time, the clinical significance of this variant is uncertain due to the absence of conclusive functional and genetic evidence.

GeneDx
Classification: Uncertain significance. Last evaluated: 2025-08-20. Review status: criteria provided, single submitter. Criteria: GeneDx Variant Classification Process June 2021. Collection method: clinical testing. Allele origin: germline. Affected: yes.
Comment: In silico analysis suggests that this missense variant does not alter protein structure/function; Has not been previously published as pathogenic or benign to our knowledge

Women's Health and Genetics/Laboratory Corporation of America, LabCorp
Classification: Uncertain significance. Last evaluated: 2025-07-02. Review status: criteria provided, single submitter. Criteria: LabCorp Variant Classification Summary - May 2015. Collection method: clinical testing. Allele origin: germline.
Comment: Variant summary: WFS1 c.572A>G (p.Lys191Arg) results in a conservative amino acid change in the encoded protein sequence. Algorithms developed to predict the effect of missense changes on protein structure and function all suggest that this variant is likely to be tolerated. The variant allele was found at a frequency of 1.6e-05 in 250624 control chromosomes. The available data on variant occurrences in the general population are insufficient to allow any conclusion about variant significance. To our knowledge, no occurrence of c.572A>G in individuals affected with Wolfram Syndrome 1 and no experimental evidence demonstrating its impact on protein function have been reported. ClinVar contains an entry for this variant (Variation ID: 1464725). Based on the evidence outlined above, the variant was classified as uncertain significance.

Labcorp Genetics (formerly Invitae), Labcorp
Classification: Uncertain significance. Last evaluated: 2024-11-05. Review status: criteria provided, single submitter. Criteria: Invitae Variant Classification Sherloc (09022015). Collection method: clinical testing. Allele origin: germline.
Comment: This sequence change replaces lysine, which is basic and polar, with arginine, which is basic and polar, at codon 191 of the WFS1 protein (p.Lys191Arg). This variant is present in population databases (rs369135542, gnomAD 0.03%). This variant has not been reported in the literature in individuals affected with WFS1-related conditions. ClinVar contains an entry for this variant (Variation ID: 1464725). Invitae Evidence Modeling of protein sequence and biophysical properties (such as structural, functional, and spatial information, amino acid conservation, physicochemical variation, residue mobility, and thermodynamic stability) indicates that this missense variant is not expected to disrupt WFS1 protein function with a negative predictive value of 95%. In summary, the available evidence is currently insufficient to determine the role of this variant in disease. Therefore, it has been classified as a Variant of Uncertain Significance.

Blueprint Genetics
Classification: Uncertain significance. Last evaluated: 2024-03-07. Review status: criteria provided, single submitter. Criteria: ACMG Guidelines, 2015. Collection method: clinical testing. Allele origin: germline.

NM_006005.3(WFS1):c.572A>G (p.Lys191Arg)

Gene: WFS1 (wolframin ER transmembrane glycoprotein; plus strand). Cytogenetic location: 4p16.1.
Variant type: single nucleotide variant.
Coding change: c.572A>G on transcript NM_006005.3 (MANE Select); coding-DNA position 572, A replaced by G.
Protein change: p.Lys191Arg; replaces lysine 191 with arginine.
Molecular consequence: missense variant.
Genome position (GRCh38, 1-based): chr4:6,291,308, A>G. VCF-style: chr4-6291308-A-G. GRCh37 (hg19) VCF-style: chr4-6293035-A-G.
Other names: c.572A>G, p.Lys191Arg (NM_001145853.1); short protein forms K191R.
Identifiers: ClinVar variation 1464725 (VCV001464725.12), dbSNP rs369135542, ClinGen allele CA2838940.